The following is an entry in ClinVar:

NM_001377.3(DYNC2H1):c.515C>A (p.Pro172Gln)

Gene: DYNC2H1 (dynein cytoplasmic 2 heavy chain 1; plus strand). Cytogenetic location: 11q22.3.
Variant type: single nucleotide variant.
Coding change: c.515C>A on transcript NM_001377.3 (MANE Select); coding-DNA position 515, C replaced by A.
Protein change: p.Pro172Gln; replaces proline 172 with glutamine.
Molecular consequence: missense variant.
Genome position (GRCh38, 1-based): chr11:103,115,189, C>A. VCF-style: chr11-103115189-C-A. GRCh37 (hg19) VCF-style: chr11-102985918-C-A.
Other names: c.515C>A, p.Pro172Gln (NM_001080463.2); short protein forms P172Q.
Identifiers: ClinVar variation 4688269 (VCV004688269.1).

ClinVar aggregate classification (germline): Uncertain significance (1 of 4 stars; one submission).

gnomAD v4.1: 1 of 1,608,728 alleles (0.000062%); highest among the groups gnomAD compares: South Asian, 0.0011%; no homozygotes.

Submission:

Women's Health and Genetics/Laboratory Corporation of America, LabCorp
Classification: Uncertain significance. Last evaluated: 2025-12-16. Review status: criteria provided, single submitter. Criteria: LabCorp Variant Classification Summary - May 2015. Collection method: clinical testing. Allele origin: germline.
Comment: Variant summary: DYNC2H1 c.515C>A (p.Pro172Gln) results in a non-conservative amino acid change in the encoded protein sequence. Algorithms developed to predict the effect of missense changes on protein structure and function are either unavailable or do not agree on the potential impact of this missense change. The variant was absent in 274628 control chromosomes. The available data on variant occurrences in the general population are insufficient to allow any conclusion about variant significance. c.515C>A has been observed in at-least individual affected with Short-rib thoracic dysplasia (examples: Geng _2020). These data do not allow any conclusion about variant significance. To our knowledge, no experimental evidence demonstrating an impact on protein function has been reported. The following publication has been ascertained in the context of this evaluation (PMID: 32494556). No submitters have cited clinical-significance assessments for this variant to ClinVar. Based on the evidence outlined above, the variant was classified as uncertain significance.

Literature cited by the submitters: PubMed 32494556.